The following is an entry in ClinVar:

NM_003628.6(PKP4):c.1372A>C (p.Ser458Arg)

Gene: PKP4 (plakophilin 4; plus strand). Cytogenetic location: 2q24.1.
Variant type: single nucleotide variant.
Coding change: c.1372A>C on transcript NM_003628.6 (MANE Select); coding-DNA position 1372, A replaced by C.
Protein change: p.Ser458Arg; replaces serine 458 with arginine.
Molecular consequence: missense variant.
Genome position (GRCh38, 1-based): chr2:158,634,099, A>C. VCF-style: chr2-158634099-A-C. GRCh37 (hg19) VCF-style: chr2-159490611-A-C.
Other names: c.1372A>C, p.Ser458Arg (NM_001005476.4, NM_001304971.2, NM_001377218.1 and 1 more transcripts); c.1369A>C, p.Ser457Arg (NM_001304969.3, NM_001377219.1, NM_001377220.1 and 2 more transcripts); c.343A>C, p.Ser115Arg (NM_001304970.3); c.1366A>C, p.Ser456Arg (NM_001377222.1, NM_001377223.1); c.1363A>C, p.Ser455Arg (NM_001377224.1); short protein forms S457R, S458R, S115R, S456R, S455R.
Identifiers: ClinVar variation 2448026 (VCV002448026.3), dbSNP rs2053616282, ClinGen allele CA348909165.

ClinVar aggregate classification (germline): Uncertain significance (1 of 4 stars; one submission).

Allele frequency attached by ClinVar (database versions not stated): gnomAD exomes below 0.00001; TOPMed below 0.00001.
gnomAD v4.1: 5 of 1,613,260 alleles (0.00031%); highest among the groups gnomAD compares: Non-Finnish European, 0.00042%; no homozygotes.

Submission:

Ambry Genetics
Classification: Uncertain significance. Last evaluated: 2025-06-22. Review status: criteria provided, single submitter. Criteria: Ambry Variant Classification Scheme 2023. Collection method: clinical testing. Allele origin: germline.
Comment: The p.S458R variant (also known as c.1372A>C), located in coding exon 8 of the PKP4 gene, results from an A to C substitution at nucleotide position 1372. The serine at codon 458 is replaced by arginine, an amino acid with dissimilar properties. This amino acid position is conserved. In addition, this alteration is predicted to be deleterious by in silico analysis. Since supporting evidence is limited at this time, the clinical significance of this alteration remains unclear.